The following is an entry in ClinVar:

ClinVar aggregate classification (germline): Uncertain significance (1 of 4 stars; one submission).

Conditions:
Hypertrophic cardiomyopathy. Also called: HYPERTROPHIC MYOCARDIOPATHY. Identifiers: Orphanet 217569, MedGen C0007194, MeSH D002312, MONDO:0005045, HP:0001639.

Submission:

Labcorp Genetics (formerly Invitae), Labcorp
Classification: Uncertain significance for Hypertrophic cardiomyopathy. Last evaluated: 2024-01-31. Review status: criteria provided, single submitter. Criteria: Invitae Variant Classification Sherloc (09022015). Collection method: clinical testing. Allele origin: germline.
Comment: This sequence change falls in intron 6 of the MYH7 gene. It does not directly change the encoded amino acid sequence of the MYH7 protein. This variant is not present in population databases (gnomAD no frequency). This variant has not been reported in the literature in individuals affected with MYH7-related conditions. Algorithms developed to predict the effect of sequence changes on RNA splicing suggest that this variant may disrupt the consensus splice site. In summary, the available evidence is currently insufficient to determine the role of this variant in disease. Therefore, it has been classified as a Variant of Uncertain Significance.

NM_000257.4(MYH7):c.531-12_531-11del

Gene: MYH7 (myosin heavy chain 7; minus strand). Cytogenetic location: 14q11.2.
Variant type: Deletion.
Coding change: c.531-12_531-11del on transcript NM_000257.4 (MANE Select); 12 bases into the intron before coding-DNA position 531 through 11 bases into the intron before coding-DNA position 531, 2 bases deleted (CT; older notation c.531-12_531-11delCT).
Molecular consequence: intron variant.
Genome position (GRCh38, 1-based): chr14:23,431,880-23,431,881, AG deleted on the plus strand (CT on the coding strand, the reverse complement: MYH7 is on the minus strand). VCF-style (leftmost placement, unchanged base first): chr14-23431879-CAG-C. GRCh37 (hg19) VCF-style: chr14-23901088-CAG-C.
Other names: c.531-12_531-11del (NM_001407004.1).
Identifiers: ClinVar variation 3000923 (VCV003000923.3), dbSNP rs2502314206, ClinGen allele CA2740097720.